The following is an entry in ClinVar:

ClinVar aggregate classification (germline): Uncertain significance (1 of 4 stars; one submission).

Conditions:
Alstrom syndrome (ALMS). Identifiers: Orphanet 64, MedGen C0268425, MONDO:0008763, OMIM 203800.

Allele frequency attached by ClinVar (database versions not stated): gnomAD exomes below 0.00001; TOPMed 0.00001.
gnomAD v4.1: 2 of 1,614,032 alleles (0.00012%); highest among the groups gnomAD compares: Admixed American, 0.0017%; no homozygotes.

Submission:

Labcorp Genetics (formerly Invitae), Labcorp
Classification: Uncertain significance for Alstrom syndrome. Last evaluated: 2022-05-21. Review status: criteria provided, single submitter. Criteria: Invitae Variant Classification Sherloc (09022015). Collection method: clinical testing. Allele origin: germline.
Comment: This sequence change replaces serine, which is neutral and polar, with alanine, which is neutral and non-polar, at codon 1239 of the ALMS1 protein (p.Ser1239Ala). This variant is present in population databases (no rsID available, gnomAD no frequency). This variant has not been reported in the literature in individuals affected with ALMS1-related conditions. Experimental studies and prediction algorithms are not available or were not evaluated, and the functional significance of this variant is currently unknown. In summary, the available evidence is currently insufficient to determine the role of this variant in disease. Therefore, it has been classified as a Variant of Uncertain Significance.

NM_001378454.1(ALMS1):c.3712T>G (p.Ser1238Ala)

Gene: ALMS1 (ALMS1 centrosome and basal body associated protein; plus strand). Cytogenetic location: 2p13.1.
Variant type: single nucleotide variant.
Coding change: c.3712T>G on transcript NM_001378454.1 (MANE Select); coding-DNA position 3712, T replaced by G.
Protein change: p.Ser1238Ala; replaces serine 1238 with alanine.
Molecular consequence: missense variant.
Genome position (GRCh38, 1-based): chr2:73,450,239, T>G. VCF-style: chr2-73450239-T-G. GRCh37 (hg19) VCF-style: chr2-73677366-T-G.
Other names: c.3715T>G, p.Ser1239Ala (NM_015120.4); short protein forms S1238A, S1239A.
Identifiers: ClinVar variation 1978969 (VCV001978969.4), dbSNP rs1420141479, ClinGen allele CA347276308.
Genomic context (GRCh38, chr2:73,450,239, plus strand): 5'-GTTTCACCTGTTCTTGGACCAGCTGACCAGAAGACTGGGACACCAACTCCAACCTCTGCT[T>G]CTTACTCACACACAGAGAAGCCTGGTATTTTCTACCAACAGGTCTTGCCAGATAATCATC-3'
Protein context (NP_001365383.1, residues 1228-1248): KTGTPTPTSA[Ser1238Ala]YSHTEKPGIF